The following is an entry in ClinVar:

ClinVar aggregate classification (germline): Likely benign. Review status: criteria provided, multiple submitters, no conflicts (2 of 4 stars). 3 submissions from 3 submitters: Likely benign (2). 1 of the submissions does not count toward it. Last evaluated 2025-09-25.

Conditions:
MTTP-related disorder. Also called: MTTP-related condition.

Allele frequency attached by ClinVar (database versions not stated): ExAC 0.00001; gnomAD 0.00002; gnomAD exomes 0.00002; TOPMed 0.00002.
gnomAD v4.1: 46 of 1,614,056 alleles (0.0028%); highest among the groups gnomAD compares: Middle Eastern, 0.016%; no homozygotes.

Submissions (3):

Labcorp Genetics (formerly Invitae), Labcorp
Classification: Likely benign. Last evaluated: 2025-09-25. Review status: criteria provided, single submitter. Criteria: Invitae Variant Classification Sherloc (09022015). Collection method: clinical testing. Allele origin: germline.

Blueprint Genetics
Classification: Likely benign. Last evaluated: 2022-01-10. Review status: criteria provided, single submitter. Criteria: ACMG Guidelines, 2015. Collection method: clinical testing. Allele origin: germline.

PreventionGenetics, part of Exact Sciences
Classification: Likely benign for MTTP-related condition. Last evaluated: 2020-04-14. Review status: no assertion criteria provided. Collection method: clinical testing. Allele origin: germline. Not counted in ClinVar's aggregate classification.
Comment: This variant is classified as likely benign based on ACMG/AMP sequence variant interpretation guidelines (Richards et al. 2015 PMID: 25741868, with internal and published modifications).

NM_001386140.1(MTTP):c.162C>T (p.Ser54=)

Gene: MTTP (microsomal triglyceride transfer protein; plus strand). Cytogenetic location: 4q23.
Variant type: single nucleotide variant.
Coding change: c.162C>T on transcript NM_001386140.1 (MANE Select); coding-DNA position 162, C replaced by T.
Protein change: p.Ser54=; no amino-acid change (serine 54 retained).
Molecular consequence: synonymous variant. On other transcripts: 5 prime UTR variant (1).
Genome position (GRCh38, 1-based): chr4:99,582,005, C>T. VCF-style: chr4-99582005-C-T. GRCh37 (hg19) VCF-style: chr4-100503162-C-T.
Other names: c.162C>T, p.Ser54= (NM_000253.4); c.-88C>T (NM_001300785.2).
Identifiers: ClinVar variation 743569 (VCV000743569.12), dbSNP rs769291215, ClinGen allele CA3021755.
Genomic context (GRCh38, chr4:99,582,005, plus strand): 5'-CAAGCTCACGTACTCCACTGAAGTTCTTCTTGATCGGGGCAAAGGAAAACTGCAAGACAG[C>T]GTGGGCTACCGCATTTCCTCCAACGTGGATGTGGCCTTACTATGGAGGAATCCTGATGGT-3'
Protein context (NP_001373069.1, residues 44-64): LDRGKGKLQD[Ser54=]VGYRISSNVD